The following is an entry in ClinVar:

ClinVar aggregate classification (germline): Likely pathogenic (1 of 4 stars; one submission).

Conditions:
Autosomal recessive limb-girdle muscular dystrophy. Identifiers: Orphanet 102015, MedGen C2931907, MONDO:0015152.

Submission:

Myriad Genetics, Inc.
Classification: Likely pathogenic for Autosomal recessive limb-girdle muscular dystrophy. Last evaluated: 2026-03-12. Review status: criteria provided, single submitter. Criteria: Myriad Autosomal Dominant, Autosomal Recessive and X-Linked Classification Criteria (2023). Collection method: clinical testing. Allele origin: unknown.
Comment: NM_003494.3(DYSF):c.5909C>T(P1970L) is a missense variant classified as likely pathogenic in the context of dysferlinopathy. P1970L has been observed in a case with relevant disease (PMID: 30107846). Relevant functional assessments of this variant are not available in the literature. Internal structural analysis of the variant is supportive of pathogenicity. P1970L has not been observed in referenced population frequency databases. In summary, NM_003494.3(DYSF):c.5909C>T(P1970L) is a missense variant that has internal structural support for pathogenicity and has been observed more frequently in cases with the relevant disease than in healthy populations. Please note: this variant was assessed in the context of healthy population screening.

Literature cited by the submitters: PubMed 30107846.

NM_001130987.2(DYSF):c.6026C>T (p.Pro2009Leu)

Gene: DYSF (dysferlin; plus strand). Cytogenetic location: 2p13.2.
Variant type: single nucleotide variant.
Coding change: c.6026C>T on transcript NM_001130987.2 (MANE Select); coding-DNA position 6026, C replaced by T.
Protein change: p.Pro2009Leu; replaces proline 2009 with leucine.
Molecular consequence: missense variant.
Genome position (GRCh38, 1-based): chr2:71,679,198, C>T. VCF-style: chr2-71679198-C-T. GRCh37 (hg19) VCF-style: chr2-71906328-C-T.
Other names: c.5912C>T, p.Pro1971Leu (NM_001130455.2); c.5867C>T, p.Pro1956Leu (NM_001130976.2); c.5930C>T, p.Pro1977Leu (NM_001130977.2); c.5972C>T, p.Pro1991Leu (NM_001130978.2); c.6002C>T, p.Pro2001Leu (NM_001130979.2); c.5960C>T, p.Pro1987Leu (NM_001130980.2); c.6023C>T, p.Pro2008Leu (NM_001130981.2); c.6005C>T, p.Pro2002Leu (NM_001130982.2); and 5 more; short protein forms P1971L, P1987L, P1992L, P2001L, P2002L, P1956L, P1977L, P1957L.
Identifiers: ClinVar variation 5003637 (VCV005003637.1).
Genomic context (GRCh38, chr2:71,679,198, plus strand): 5'-CTTTCCACCCAGAATGGTTTGTGTCCCTTTTTGAGCAGAAAACAGTGAAGGGCTGGTGGC[C>T]CTGTGTAGCAGAAGAGGGTGAGAAGAAAATACTGGCGGTAAGTCTACTTCCTCCAGCCCC-3'
Protein context (NP_001124459.1, residues 1999-2019): FEQKTVKGWW[Pro2009Leu]CVAEEGEKKI